The following is an entry in ClinVar:

ClinVar aggregate classification (germline): Uncertain significance (1 of 4 stars; one submission).

Submission:

Labcorp Genetics (formerly Invitae), Labcorp
Classification: Uncertain significance. Last evaluated: 2024-04-25. Review status: criteria provided, single submitter. Criteria: Invitae Variant Classification Sherloc (09022015). Collection method: clinical testing. Allele origin: germline.
Comment: This sequence change replaces asparagine, which is neutral and polar, with histidine, which is basic and polar, at codon 194 of the SNRNP200 protein (p.Asn194His). This variant is present in population databases (rs770017112, gnomAD 0.0009%). This variant has not been reported in the literature in individuals affected with SNRNP200-related conditions. Advanced modeling of protein sequence and biophysical properties (such as structural, functional, and spatial information, amino acid conservation, physicochemical variation, residue mobility, and thermodynamic stability) has been performed at Invitae for this missense variant, however the output from this modeling did not meet the statistical confidence thresholds required to predict the impact of this variant on SNRNP200 protein function. In summary, the available evidence is currently insufficient to determine the role of this variant in disease. Therefore, it has been classified as a Variant of Uncertain Significance.

NM_014014.5(SNRNP200):c.580A>C (p.Asn194His)

Gene: SNRNP200 (small nuclear ribonucleoprotein U5 subunit 200; minus strand). Cytogenetic location: 2q11.2.
Variant type: single nucleotide variant.
Coding change: c.580A>C on transcript NM_014014.5 (MANE Select); coding-DNA position 580, A replaced by C.
Protein change: p.Asn194His; replaces asparagine 194 with histidine.
Molecular consequence: missense variant.
Genome position (GRCh38, 1-based): chr2:96,301,048, T>G on the plus strand (A>C on the coding strand, the complement: SNRNP200 is on the minus strand). VCF-style: chr2-96301048-T-G. GRCh37 (hg19) VCF-style: chr2-96966786-T-G.
Other names: short protein forms N194H.
Identifiers: ClinVar variation 3615033 (VCV003615033.2).